The following is an entry in ClinVar:

ClinVar aggregate classification (germline): Uncertain significance (1 of 4 stars; one submission).

Conditions:
Familial thoracic aortic aneurysm and aortic dissection (TAAD). Also called: Thoracic aortic aneurysms and dissections. Identifiers: Orphanet 91387, MedGen C4707243, MONDO:0019625.

Allele frequency attached by ClinVar (database versions not stated): TOPMed below 0.00001; ExAC 0.00001; gnomAD exomes 0.00001.

Submission:

Labcorp Genetics (formerly Invitae), Labcorp
Classification: Uncertain significance for Familial thoracic aortic aneurysm and aortic dissection. Last evaluated: 2019-08-24. Review status: criteria provided, single submitter. Criteria: Invitae Variant Classification Sherloc (09022015). Collection method: clinical testing. Allele origin: germline.
Comment: This sequence change replaces glutamine with proline at codon 4 of the MAT2A protein (p.Gln4Pro). The glutamine residue is moderately conserved and there is a moderate physicochemical difference between glutamine and proline. This variant is present in population databases (rs756268499, ExAC 0.002%). This variant has not been reported in the literature in individuals with MAT2A-related conditions. Algorithms developed to predict the effect of missense changes on protein structure and function (SIFT, PolyPhen-2, Align-GVGD) all suggest that this variant is likely to be tolerated, but these predictions have not been confirmed by published functional studies and their clinical significance is uncertain. In summary, the available evidence is currently insufficient to determine the role of this variant in disease. Therefore, it has been classified as a Variant of Uncertain Significance.

NM_005911.6(MAT2A):c.11A>C (p.Gln4Pro)

Gene: MAT2A (methionine adenosyltransferase 2A; plus strand). Cytogenetic location: 2p11.2.
Variant type: single nucleotide variant.
Coding change: c.11A>C on transcript NM_005911.6 (MANE Select); coding-DNA position 11, A replaced by C.
Protein change: p.Gln4Pro; replaces glutamine 4 with proline.
Molecular consequence: missense variant.
Genome position (GRCh38, 1-based): chr2:85,539,298, A>C. VCF-style: chr2-85539298-A-C. GRCh37 (hg19) VCF-style: chr2-85766421-A-C.
Other names: short protein forms Q4P.
Identifiers: ClinVar variation 840588 (VCV000840588.9), dbSNP rs756268499, ClinGen allele CA1741264.